The following is an entry in ClinVar:

NM_002890.3(RASA1):c.71C>G (p.Ala24Gly)

Gene: RASA1 (RAS p21 protein activator 1; plus strand). Cytogenetic location: 5q14.3.
Variant type: single nucleotide variant.
Coding change: c.71C>G on transcript NM_002890.3 (MANE Select); coding-DNA position 71, C replaced by G.
Protein change: p.Ala24Gly; replaces alanine 24 with glycine.
Molecular consequence: missense variant.
Genome position (GRCh38, 1-based): chr5:87,268,522, C>G. VCF-style: chr5-87268522-C-G. GRCh37 (hg19) VCF-style: chr5-86564339-C-G.
Other names: short protein forms A24G.
Identifiers: ClinVar variation 618343 (VCV000618343.8), dbSNP rs1364111237, ClinGen allele CA360416722.
Genomic context (GRCh38, chr5:87,268,522, plus strand): 5'-CCGAGGCCGGCAGTGAGGAGGGCGGCCCGGTAACAGCCGGAGCTGGAGGAGGCGGCGCGG[C>G]AGCGGGCTCCAGTGCCTATCCCGCAGTGTGTCGGGTGAAGATACCCGCGGCCCTGCCTGT-3'
Protein context (NP_002881.1, residues 14-34): VTAGAGGGGA[Ala24Gly]AGSSAYPAVC

ClinVar aggregate classification (germline): Likely benign (1 of 4 stars; one submission).

Allele frequency attached by ClinVar (database versions not stated): TOPMed 0.00001 and 0.00002.

Submission:

ARUP Laboratories, Molecular Genetics and Genomics, ARUP Laboratories
Classification: Likely benign. Last evaluated: 2018-02-07. Review status: criteria provided, single submitter. Criteria: ARUP Molecular Germline Variant Investigation Process. Collection method: clinical testing. Allele origin: germline.
Comment: The RASA1 c.71C>G; p.Ala24Gly variant, to our knowledge, is not reported in the medical literature or gene specific databases. This variant is also absent from the general population databases (1000 Genomes Project, Exome Variant Server, Genome Aggregation Database), indicating it is not a common polymorphism. The alanine at codon 24 is weakly conserved and computational algorithms (SIFT, PolyPhen2) predict this variant to be tolerated. Additionally, the majority of pathogenic RASA1 variants are truncating rather than missense (see link). Based on available information, this variant is considered likely benign. REFERENCES ARUP RASA1 Database